The following is an entry in ClinVar:

ClinVar aggregate classification (germline): Uncertain significance (1 of 4 stars; one submission).

Conditions:
Congenital disorder of deglycosylation 2 (CDDG2). Identifiers: MedGen C5676931, MONDO:0030770, OMIM 619775.

Submission:

3billion
Classification: Uncertain significance for Congenital disorder of deglycosylation 2. Last evaluated: 2022-05-22. Review status: criteria provided, single submitter. Criteria: ACMG Guidelines, 2015. Collection method: clinical testing. Allele origin: germline. Affected: yes. Observed: 1 heterozygote.
Comment: The variant is observed at an extremely low frequency in the gnomAD v2.1.1 dataset (total allele frequency: 0.003%). Inframe deletion located in a nonrepeat region: predicted to change the length of the protein and disrupt normal protein function. Therefore, this variant is classified as uncertain significanceaccording to the recommendation of ACMG/AMP guideline.

NM_006715.4(MAN2C1):c.52_54del (p.Glu18del)

Genes: MAN2C1 (mannosidase alpha class 2C member 1; minus strand), LOC112272617 (Sharpr-MPRA regulatory region 58; plus strand). Cytogenetic location: 15q24.2.
Variant type: Deletion.
Coding change: c.52_54del on transcript NM_006715.4 (MANE Select); coding-DNA positions 52 to 54, 3 bases deleted (GAG; older notation c.52_54delGAG).
Protein change: p.Glu18del; deletes glutamic acid 18.
Molecular consequence: inframe deletion.
Genome position (GRCh38, 1-based): chr15:75,368,530-75,368,532, CTC deleted on the plus strand (GAG on the coding strand, the reverse complement: MAN2C1 is on the minus strand); deleting any 3 consecutive bases within chr15:75,368,530-75,368,533 gives the same sequence; the c. name uses the placement nearest the transcript's 3' end. VCF-style (leftmost placement, unchanged base first): chr15-75368529-TCTC-T. GRCh37 (hg19) VCF-style: chr15-75660870-TCTC-T.
Other names: c.52_54del, p.Glu18del (NM_001256494.2, NM_001256495.2, NM_001256496.2); short protein forms E18del.
Identifiers: ClinVar variation 1687395 (VCV001687395.1), dbSNP rs776346711, ClinGen allele CA7667138.